The following is an entry in ClinVar:

ClinVar aggregate classification (germline): Likely pathogenic (1 of 4 stars; one submission).

Conditions:
Fabry disease. Also called: ALPHA-GALACTOSIDASE A DEFICIENCY; ANDERSON-FABRY DISEASE; CERAMIDE TRIHEXOSIDASE DEFICIENCY; GLA DEFICIENCY; HEREDITARY DYSTOPIC LIPIDOSIS; Angiokeratoma corporis diffusum. Identifiers: Orphanet 324, MedGen C0002986, MONDO:0010526, OMIM 301500, HP:0001071. Disease mechanism: Fabry disease is due to inactivating mutations in the X-linked GLA gene resulting in deficiency of the enzyme Alpha Galactosidase-A., loss of function.

Submission:

Genomenon, Inc
Classification: Likely pathogenic for Fabry disease. Last evaluated: 2026-09-08. Review status: criteria provided, single submitter. Criteria: Genomenon Sequence Variant Interpretation Standards - Updated. Collection method: curation. Allele origin: germline. Affected: yes.
Comment: GLA p.Pro259Leu (c.776C>T) is a missense variant that changes the amino acid at codon 259 from Proline to Leucine. This variant has been observed in at least one proband with clinical features consistent with Fabry disease (PMID:16148726;20022777;31262606;27081853;10666480;15939645;15713906;37480128;40760696;15038481). The variant was found to segregate with disease in at least one affected family (PMID:15713906). Functional or patient cell studies have been reported (PMID:31262606;27657681;15038481;15939645;10666480;37480128;15713906). It is absent or not present at a significant frequency in gnomAD. In silico models predict that this variant is possibly or probably damaging. In conclusion, we classify GLA p.Pro259Leu (c.776C>T) as a likely pathogenic variant.

Literature cited by the submitters: PubMed 16148726; PubMed 20022777; PubMed 31262606; PubMed 27081853; PubMed 10666480; PubMed 15939645; PubMed 15713906; PubMed 37480128; PubMed 40760696; PubMed 15038481; PubMed 27657681.

NM_000169.3(GLA):c.776C>T (p.Pro259Leu)

Genes: GLA (galactosidase alpha; minus strand), RPL36A-HNRNPH2 (RPL36A-HNRNPH2 readthrough; plus strand). Cytogenetic location: Xq22.1.
Variant type: single nucleotide variant.
Coding change: c.776C>T on transcript NM_000169.3 (MANE Select); coding-DNA position 776, C replaced by T.
Protein change: p.Pro259Leu; replaces proline 259 with leucine.
Molecular consequence: missense variant. On other transcripts: non-coding transcript variant (3), intron variant (2).
Genome position (GRCh38, 1-based): chrX:101,398,810, G>A on the plus strand (C>T on the coding strand, the complement: GLA is on the minus strand). VCF-style: chrX-101398810-G-A. GRCh37 (hg19) VCF-style: chrX-100653798-G-A.
Other names: c.899C>T, p.Pro300Leu (NM_001406747.1); c.776C>T, p.Pro259Leu (NM_001406748.1); c.300+3353G>A (NM_001199973.2); c.177+6988G>A (NM_001199974.2); short protein forms P259L, P300L.
Identifiers: ClinVar variation 4087506 (VCV004087506.2), dbSNP rs869312399.